The following is an entry in ClinVar:

ClinVar aggregate classification (germline): Uncertain significance (1 of 4 stars; one submission).

Allele frequency attached by ClinVar (database versions not stated): gnomAD exomes below 0.00001.

Submission:

Labcorp Genetics (formerly Invitae), Labcorp
Classification: Uncertain significance. Last evaluated: 2022-06-13. Review status: criteria provided, single submitter. Criteria: Invitae Variant Classification Sherloc (09022015). Collection method: clinical testing. Allele origin: germline.
Comment: This variant is not present in population databases (gnomAD no frequency). In summary, the available evidence is currently insufficient to determine the role of this variant in disease. Therefore, it has been classified as a Variant of Uncertain Significance. This variant disrupts the C-terminus of the CERKL protein. Other variant(s) that disrupt this region (p.Tyr548Serfs*19) have been observed in individuals with CERKL-related conditions (PMID: 24938718). This suggests that this may be a clinically significant region of the protein. ClinVar contains an entry for this variant (Variation ID: 1057829). This variant has not been reported in the literature in individuals affected with CERKL-related conditions. This sequence change creates a premature translational stop signal (p.Ile545Leufs*12) in the CERKL gene. While this is not anticipated to result in nonsense mediated decay, it is expected to disrupt the last 14 amino acid(s) of the CERKL protein.

Literature cited by the submitters: PubMed 24938718.

NM_201548.5(CERKL):c.1553_1554dup (p.Ile519fs)

Genes: CERKL (CERK like autophagy regulator; minus strand), ITGA4 (integrin subunit alpha 4; plus strand). Cytogenetic location: 2q31.3.
Variant type: Duplication.
Coding change: c.1553_1554dup on transcript NM_201548.5 (MANE Select); coding-DNA positions 1553 to 1554, 2 bases duplicated (TT; older notation c.1553_1554dupTT).
Protein change: p.Ile519fs; shifts the reading frame from isoleucine 519.
Molecular consequence: frameshift variant. On other transcripts: 3 prime UTR variant (1), non-coding transcript variant (2).
Genome position (GRCh38, 1-based): chr2:181,538,229-181,538,230, AA duplicated on the plus strand (TT on the coding strand, the reverse complement: CERKL is on the minus strand). VCF-style (leftmost placement, unchanged base first): chr2-181538228-T-TAA. GRCh37 (hg19) VCF-style: chr2-182402955-T-TAA.
Other names: c.*2702_*2703dup (NM_000885.6); c.1631_1632dup, p.Ile545fs (NM_001030311.3); c.1214_1215dup, p.Ile406fs (NM_001030312.3); c.1346_1347dup, p.Ile450fs (NM_001030313.3); c.1499_1500dup, p.Ile501fs (NM_001160277.2); short protein forms I406fs, I450fs, I501fs, I519fs, I545fs.
Identifiers: ClinVar variation 1057829 (VCV001057829.10), dbSNP rs2105784377, ClinGen allele CA2499215513.